The following is an entry in ClinVar:

NM_000543.5(SMPD1):c.610C>A (p.Leu204Ile)

Gene: SMPD1 (sphingomyelin phosphodiesterase 1; plus strand). Cytogenetic location: 11p15.4.
Variant type: single nucleotide variant.
Coding change: c.610C>A on transcript NM_000543.5 (MANE Select); coding-DNA position 610, C replaced by A.
Protein change: p.Leu204Ile; replaces leucine 204 with isoleucine.
Molecular consequence: missense variant. On other transcripts: 5 prime UTR variant (1), non-coding transcript variant (1).
Genome position (GRCh38, 1-based): chr11:6,391,675, C>A. VCF-style: chr11-6391675-C-A. GRCh37 (hg19) VCF-style: chr11-6412905-C-A.
Other names: c.607C>A, p.Leu203Ile (NM_001007593.3); c.610C>A, p.Leu204Ile (NM_001318087.2, NM_001365135.2); c.-352C>A (NM_001318088.2); short protein forms L203I, L204I.
Identifiers: ClinVar variation 2934182 (VCV002934182.3), dbSNP rs1690892137, ClinGen allele CA379370304.
Genomic context (GRCh38, chr11:6,391,675, plus strand): 5'-CCGAAGCCGCCCCCCAAACCCCCTAGCCCCCCAGCCCCAGGTGCCCCTGTCAGCCGCATC[C>A]TCTTCCTCACTGACCTGCACTGGGATCATGACTACCTGGAGGGCACGGACCCTGACTGTG-3'
Protein context (NP_000534.3, residues 194-214): PAPGAPVSRI[Leu204Ile]FLTDLHWDHD

ClinVar aggregate classification (germline): Likely pathogenic (1 of 4 stars; one submission).

Conditions:
Niemann-Pick disease, type B. Also called: Chronic Visceral ASMD (Niemann-Pick Disease Type B; NPD-B). Identifiers: Orphanet 77293, MedGen C0268243, MONDO:0011871, OMIM 607616. Disease mechanism: loss of function.
Niemann-Pick disease, type A. Also called: SPHINGOMYELIN LIPIDOSIS; SPHINGOMYELINASE DEFICIENCY; Infantile Neurovisceral ASMD (Niemann-Pick Disease Type A; NPD-A). Identifiers: Orphanet 77292, MedGen C0268242, MONDO:0009756, OMIM 257200. Disease mechanism: loss of function.

Allele frequency attached by ClinVar (database versions not stated): gnomAD exomes below 0.00001.
gnomAD v4.1: 2 of 1,606,166 alleles (0.00012%); highest among the groups gnomAD compares: African/African-American, 0.0027%; no homozygotes.

Submission:

Labcorp Genetics (formerly Invitae), Labcorp
Classification: Likely pathogenic for Niemann-Pick disease, type B; Niemann-Pick disease, type A. Last evaluated: 2022-12-17. Review status: criteria provided, single submitter. Criteria: Invitae Variant Classification Sherloc (09022015). Collection method: clinical testing. Allele origin: germline.
Comment: This sequence change replaces leucine, which is neutral and non-polar, with isoleucine, which is neutral and non-polar, at codon 204 of the SMPD1 protein (p.Leu204Ile). This variant is not present in population databases (gnomAD no frequency). This variant has not been reported in the literature in individuals affected with SMPD1-related conditions. Advanced modeling of protein sequence and biophysical properties (such as structural, functional, and spatial information, amino acid conservation, physicochemical variation, residue mobility, and thermodynamic stability) performed at Invitae indicates that this missense variant is expected to disrupt SMPD1 protein function. This variant disrupts the p.Leu204 amino acid residue in SMPD1. Other variant(s) that disrupt this residue have been determined to be pathogenic (Invitae). This suggests that this residue is clinically significant, and that variants that disrupt this residue are likely to be disease-causing. In summary, the currently available evidence indicates that the variant is pathogenic, but additional data are needed to prove that conclusively. Therefore, this variant has been classified as Likely Pathogenic.